The following is an entry in ClinVar:

NM_020975.6(RET):c.1658G>T (p.Arg553Met)

Gene: RET (ret proto-oncogene; plus strand). Cytogenetic location: 10q11.21.
Variant type: single nucleotide variant.
Coding change: c.1658G>T on transcript NM_020975.6 (MANE Select); coding-DNA position 1658, G replaced by T.
Protein change: p.Arg553Met; replaces arginine 553 with methionine.
Molecular consequence: missense variant.
Genome position (GRCh38, 1-based): chr10:43,112,862, G>T. VCF-style: chr10-43112862-G-T. GRCh37 (hg19) VCF-style: chr10-43608310-G-T.
Other names: c.896G>T, p.Arg299Met (NM_001355216.2); c.1658G>T, p.Arg553Met (NM_001406743.1, NM_001406744.1, NM_001406759.1 and 4 more transcripts); c.1529G>T, p.Arg510Met (NM_001406761.1, NM_001406762.1, NM_001406764.1 and 1 more transcripts); c.1370G>T, p.Arg457Met (NM_001406766.1, NM_001406767.1, NM_001406770.1); c.1262G>T, p.Arg421Met (NM_001406769.1, NM_001406772.1); c.1220G>T, p.Arg407Met (NM_001406771.1, NM_001406773.1); c.1133G>T, p.Arg378Met (NM_001406774.1); c.932G>T, p.Arg311Met (NM_001406775.1, NM_001406776.1, NM_001406777.1 and 1 more transcripts); and 5 more; short protein forms R158M, R211M, R223M, R254M, R299M, R311M, R378M, R407M.
Identifiers: ClinVar variation 4685369 (VCV004685369.1).

ClinVar aggregate classification (germline): Uncertain significance (1 of 4 stars; one submission).

Submission:

GeneDx
Classification: Uncertain significance. Last evaluated: 2025-07-09. Review status: criteria provided, single submitter. Criteria: GeneDx Variant Classification Process June 2021. Collection method: clinical testing. Allele origin: germline. Affected: yes.
Comment: Not observed at significant frequency in large population cohorts (gnomAD); In silico analysis supports that this missense variant has a deleterious effect on protein structure/function; Has not been previously published as pathogenic or benign to our knowledge; This variant is associated with the following publications: (PMID: 14633923)